The following is an entry in ClinVar:

NM_004260.4(RECQL4):c.319C>T (p.Gln107Ter)

Gene: RECQL4 (RecQ like helicase 4; minus strand). Cytogenetic location: 8q24.3.
Variant type: single nucleotide variant.
Coding change: c.319C>T on transcript NM_004260.4 (MANE Select); coding-DNA position 319, C replaced by T.
Protein change: p.Gln107Ter; replaces glutamine 107 with a stop codon.
Molecular consequence: nonsense. On other transcripts: 5 prime UTR variant (17), non-coding transcript variant (3).
Genome position (GRCh38, 1-based): chr8:144,517,085, G>A on the plus strand (C>T on the coding strand, the complement: RECQL4 is on the minus strand). VCF-style: chr8-144517085-G-A. GRCh37 (hg19) VCF-style: chr8-145742469-G-A.
Other names: c.-1022C>T (NM_001413043.1); c.319C>T, p.Gln107Ter (NM_001413017.1, NM_001413018.1, NM_001413019.1 and 5 more transcripts); c.-402C>T (NM_001413021.1); c.-753C>T (NM_001413022.1, NM_001413023.1, NM_001413037.1 and 3 more transcripts); c.-650C>T (NM_001413024.1, NM_001413035.1); c.190C>T, p.Gln64Ter (NM_001413025.1); c.-815C>T (NM_001413027.1, NM_001413030.1, NM_001413031.1 and 1 more transcripts); c.-478C>T (NM_001413028.1); and 2 more; short protein forms Q107*, Q64*.
Identifiers: ClinVar variation 3706376 (VCV003706376.2).

ClinVar aggregate classification (germline): Pathogenic (1 of 4 stars; one submission).

Conditions:
Baller-Gerold syndrome (BGS). Also called: CRANIOSYNOSTOSIS WITH RADIAL DEFECTS. Identifiers: Orphanet 1225, MedGen C0265308, MONDO:0009039, OMIM 218600.

Submission:

Labcorp Genetics (formerly Invitae), Labcorp
Classification: Pathogenic for Baller-Gerold syndrome. Last evaluated: 2025-01-05. Review status: criteria provided, single submitter. Criteria: Invitae Variant Classification Sherloc (09022015). Collection method: clinical testing. Allele origin: germline.
Comment: This sequence change creates a premature translational stop signal (p.Gln107*) in the RECQL4 gene. It is expected to result in an absent or disrupted protein product. Loss-of-function variants in RECQL4 are known to be pathogenic (PMID: 12734318, 12952869). This variant is not present in population databases (gnomAD no frequency). This variant has not been reported in the literature in individuals affected with RECQL4-related conditions. For these reasons, this variant has been classified as Pathogenic.

Literature cited by the submitters: PubMed 12734318; PubMed 12952869.